The following is an entry in ClinVar:

NM_152783.5(D2HGDH):c.*93T>C

Gene: D2HGDH (D-2-hydroxyglutarate dehydrogenase; plus strand). Cytogenetic location: 2q37.3.
Variant type: single nucleotide variant.
Coding change: c.*93T>C on transcript NM_152783.5 (MANE Select); 93 bases downstream of the stop codon, T replaced by C.
Molecular consequence: 3 prime UTR variant. On other transcripts: non-coding transcript variant (1).
Genome position (GRCh38, 1-based): chr2:241,768,062, T>C. VCF-style: chr2-241768062-T-C. GRCh37 (hg19) VCF-style: chr2-242707477-T-C.
Other names: c.*93T>C (NM_001287249.2, NM_001352824.2).
Identifiers: ClinVar variation 335329 (VCV000335329.8), dbSNP rs11552660, ClinGen allele CA10613344.

ClinVar aggregate classification (germline): Benign. Review status: criteria provided, multiple submitters, no conflicts (2 of 4 stars). 3 submissions from 3 submitters: Benign (3). Last evaluated 2021-05-11.

Conditions:
D-2-hydroxyglutaric aciduria 1 (D2HGA1). Identifiers: Orphanet 79315, MedGen C3152055, MONDO:0024554, OMIM 600721.

Allele frequency attached by ClinVar (database versions not stated): 1000 Genomes Project 0.06210; 1000 Genomes Project 30x 0.06324; gnomAD 0.10357 and 0.10660; TOPMed 0.10360; gnomAD exomes 0.13237.
gnomAD v4.1: 189,077 of 1,466,488 alleles (13%); highest among the groups gnomAD compares: Middle Eastern, 15%; 13,468 homozygotes.

Submissions (3):

GeneDx
Classification: Benign. Last evaluated: 2021-05-11. Review status: criteria provided, single submitter. Criteria: GeneDx Variant Classification Process June 2021. Collection method: clinical testing. Allele origin: germline. Affected: yes.

Illumina Laboratory Services, Illumina
Classification: Benign for D-2-hydroxyglutaric aciduria 1. Last evaluated: 2018-01-13. Review status: criteria provided, single submitter. Criteria: ICSL Variant Classification Criteria 13 December 2019. Collection method: clinical testing. Allele origin: germline.
Comment: This variant was observed in the ICSL laboratory as part of a predisposition screen in an ostensibly healthy population. It had not been previously curated by ICSL or reported in the Human Gene Mutation Database (HGMD: prior to June 1st, 2018), and was therefore a candidate for classification through an automated scoring system. Utilizing variant allele frequency, disease prevalence and penetrance estimates, and inheritance mode, an automated score was calculated to assess if this variant is too frequent to cause the disease. Based on the score and internal cut-off values, a variant classified as benign is not then subjected to further curation. The score for this variant resulted in a classification of benign for this disease.

Breakthrough Genomics
Classification: Benign. Review status: criteria provided, single submitter. Criteria: ACMG Guidelines, 2015. Collection method: not provided. Allele origin: germline. Inheritance: Autosomal recessive inheritance. Affected: yes.